The following is an entry in ClinVar:

ClinVar aggregate classification (germline): Uncertain significance (1 of 4 stars; one submission).

Conditions:
Familial temporal lobe epilepsy 7. Identifiers: Orphanet 101046, MedGen C4225327, MONDO:0014639, OMIM 616436.
Norman-Roberts syndrome (LIS2). Also called: Lissencephaly 2 (Norman-Roberts type). Identifiers: Orphanet 89844, MedGen C0796089, MONDO:0009760, OMIM 257320.

gnomAD v4.1: 3 of 757,902 alleles (0.0004%); highest among the groups gnomAD compares: Non-Finnish European, 0.00072%; no homozygotes.

Submission:

Labcorp Genetics (formerly Invitae), Labcorp
Classification: Uncertain significance for Familial temporal lobe epilepsy 7; Norman-Roberts syndrome. Last evaluated: 2025-02-12. Review status: criteria provided, single submitter. Criteria: Invitae Variant Classification Sherloc (09022015). Collection method: clinical testing. Allele origin: germline.
Comment: This sequence change replaces valine, which is neutral and non-polar, with leucine, which is neutral and non-polar, at codon 3428 of the RELN protein (p.Val3428Leu). The frequency data for this variant in the population databases is considered unreliable, as metrics indicate poor data quality at this position in the gnomAD database. This variant has not been reported in the literature in individuals affected with RELN-related conditions. An algorithm developed to predict the effect of missense changes on protein structure and function (PolyPhen-2) suggests that this variant is likely to be tolerated. In summary, the available evidence is currently insufficient to determine the role of this variant in disease. Therefore, it has been classified as a Variant of Uncertain Significance.

NM_005045.4(RELN):c.10282G>T (p.Val3428Leu)

Genes: SLC26A5-AS1 (SLC26A5 antisense RNA 1; plus strand), RELN (reelin; minus strand). Cytogenetic location: 7q22.1.
Variant type: single nucleotide variant.
Coding change: c.10282G>T on transcript NM_005045.4 (MANE Select); coding-DNA position 10282, G replaced by T.
Protein change: p.Val3428Leu; replaces valine 3428 with leucine.
Molecular consequence: missense variant. On other transcripts: intron variant (1).
Genome position (GRCh38, 1-based): chr7:103,478,393, C>A on the plus strand (G>T on the coding strand, the complement: RELN is on the minus strand). VCF-style: chr7-103478393-C-A. GRCh37 (hg19) VCF-style: chr7-103118840-C-A.
Other names: c.10280+4480G>T (NM_173054.3); short protein forms V3428L.
Identifiers: ClinVar variation 3750026 (VCV003750026.2).
Genomic context (GRCh38, chr7:103,478,393, plus strand): 5'-TGTCACTGATGAAACTATTAGTAAACAGTTCCCCAGATTTAGTAAGGAGGACTTACCTTA[C>A]TCTAGTGGAAAACCAATGACAGCAAATAATGAAATATAACACAAGTTAAAAAATGCCTTT-3'
Protein context (NP_005036.2, residues 3418-3438): WALDHVEVVL[Val3428Leu]STRKQNYMMN